The following is an entry in ClinVar:

NM_001165963.4(SCN1A):c.5182_5198del (p.Gly1728fs)

Genes: SCN1A (sodium voltage-gated channel alpha subunit 1; minus strand), LOC102724058 (uncharacterized LOC102724058; plus strand). Cytogenetic location: 2q24.3.
Variant type: Deletion.
Coding change: c.5182_5198del on transcript NM_001165963.4 (MANE Select); coding-DNA positions 5182 to 5198, 17 bases deleted (GGATTGCTAGCACCCAT).
Protein change: p.Gly1728fs; shifts the reading frame from glycine 1728.
Molecular consequence: frameshift variant. On other transcripts: non-coding transcript variant (1).
Genome position (GRCh38, 1-based): chr2:165,992,077-165,992,093, ATGGGTGCTAGCAATCC deleted on the plus strand (GGATTGCTAGCACCCAT on the coding strand, the reverse complement: SCN1A is on the minus strand); deleting any 17 consecutive bases within chr2:165,992,077-165,992,095 gives the same sequence; the c. name uses the placement nearest the transcript's 3' end. VCF-style (leftmost placement, unchanged base first): chr2-165992076-AATGGGTGCTAGCAATCC-A. GRCh37 (hg19) VCF-style: chr2-166848586-AATGGGTGCTAGCAATCC-A.
Other names: c.5098_5114del, p.Gly1700fs (NM_001165964.3, NM_001353957.2, NM_001353958.2); c.5182_5198del, p.Gly1728fs (NM_001202435.3, NM_001353948.2); c.5149_5165del, p.Gly1717fs (NM_001353949.2, NM_001353950.2, NM_001353951.2 and 2 more transcripts); c.5146_5162del, p.Gly1716fs (NM_001353954.2, NM_001353955.2); c.5095_5111del, p.Gly1699fs (NM_001353960.2); c.2740_2756del, p.Gly914fs (NM_001353961.2); c.5182_5198delGGATTGCTAGCACCCAT (NM_001165963.1); short protein forms G1716fs, G1700fs, G914fs, G1699fs, G1717fs, G1728fs.
Identifiers: ClinVar variation 418995 (VCV000418995.5), dbSNP rs1553520298, ClinGen allele CA16617282.

ClinVar aggregate classification (germline): Pathogenic. Review status: criteria provided, multiple submitters, no conflicts (2 of 4 stars). 2 submissions from 2 submitters: Pathogenic (2). Last evaluated 2023-05-22.

Conditions:
Early-infantile DEE. Also called: Early infantile epileptic encephalopathy with suppression bursts; Ohtahara syndrome; Early infantile epileptic encephalopathy. Identifiers: Orphanet 1934, MedGen C0393706, MONDO:0800491.

Submissions (2):

Labcorp Genetics (formerly Invitae), Labcorp
Classification: Pathogenic for Early-infantile DEE. Last evaluated: 2023-05-22. Review status: criteria provided, single submitter. Criteria: Invitae Variant Classification Sherloc (09022015). Collection method: clinical testing. Allele origin: germline.
Comment: This sequence change creates a premature translational stop signal (p.Gly1728Serfs*4) in the SCN1A gene. While this is not anticipated to result in nonsense mediated decay, it is expected to disrupt the last 282 amino acid(s) of the SCN1A protein. This variant is not present in population databases (gnomAD no frequency). This premature translational stop signal has been observed in individual(s) with clinical features of SCN1A-related conditions (PMID: 29655203). ClinVar contains an entry for this variant (Variation ID: 418995). This variant disrupts a region of the SCN1A protein in which other variant(s) (p.Arg1924Leufs*8) have been determined to be pathogenic (PMID: 27465585). This suggests that this is a clinically significant region of the protein, and that variants that disrupt it are likely to be disease-causing. For these reasons, this variant has been classified as Pathogenic.

GeneDx
Classification: Pathogenic. Last evaluated: 2015-05-08. Review status: criteria provided, single submitter. Criteria: GeneDx Variant Classification (06012015). Collection method: clinical testing. Allele origin: germline. Affected: yes.
Comment: The c.5182_5198del17 deletion in the SCN1A gene causes a frameshift starting withcodon Glycine 1728, changes this amino acid to a Serine residue and creates a prematureStop codon at position 4 of the new reading frame, denoted p.Gly1728SerfsX4. Thisdeletion is predicted to cause loss of normal protein function through protein truncation asthe last 282 amino acids of the protein are lost and replaced with 3 incorrect amino acids.Although this variant has not been previously reported to our knowledge, we interpret it as pathogenic.

Literature cited by the submitters: PubMed 29655203 (cited by Labcorp Genetics (formerly Invitae), Labcorp); PubMed 27465585 (cited by Labcorp Genetics (formerly Invitae), Labcorp).